The following is an entry in ClinVar:

NM_133497.4(KCNV2):c.1226A>G (p.Gln409Arg)

Gene: KCNV2 (potassium voltage-gated channel modifier subfamily V member 2; plus strand). Cytogenetic location: 9p24.2.
Variant type: single nucleotide variant.
Coding change: c.1226A>G on transcript NM_133497.4 (MANE Select); coding-DNA position 1226, A replaced by G.
Protein change: p.Gln409Arg; replaces glutamine 409 with arginine.
Molecular consequence: missense variant.
Genome position (GRCh38, 1-based): chr9:2,718,965, A>G. VCF-style: chr9-2718965-A-G. GRCh37 (hg19) VCF-style: chr9-2718965-A-G.
Other names: short protein forms Q409R.
Identifiers: ClinVar variation 960910 (VCV000960910.8), dbSNP rs199497822, ClinGen allele CA4965830.

ClinVar aggregate classification (germline): Uncertain significance (1 of 4 stars; one submission).

Allele frequency attached by ClinVar (database versions not stated): gnomAD 0.00001; 1000 Genomes Project 0.00020; 1000 Genomes Project 30x 0.00031.

Submission:

Labcorp Genetics (formerly Invitae), Labcorp
Classification: Uncertain significance. Last evaluated: 2023-10-03. Review status: criteria provided, single submitter. Criteria: Invitae Variant Classification Sherloc (09022015). Collection method: clinical testing. Allele origin: germline.
Comment: This sequence change replaces glutamine, which is neutral and polar, with arginine, which is basic and polar, at codon 409 of the KCNV2 protein (p.Gln409Arg). This variant is present in population databases (rs199497822, gnomAD 0.02%). This variant has not been reported in the literature in individuals affected with KCNV2-related conditions. ClinVar contains an entry for this variant (Variation ID: 960910). Advanced modeling of protein sequence and biophysical properties (such as structural, functional, and spatial information, amino acid conservation, physicochemical variation, residue mobility, and thermodynamic stability) performed at Invitae indicates that this missense variant is not expected to disrupt KCNV2 protein function. In summary, the available evidence is currently insufficient to determine the role of this variant in disease. Therefore, it has been classified as a Variant of Uncertain Significance.